The following is an entry in ClinVar:

NM_000138.5(FBN1):c.2168-15dup

Gene: FBN1 (fibrillin 1; minus strand). Cytogenetic location: 15q21.1.
Variant type: Duplication.
Coding change: c.2168-15dup on transcript NM_000138.5 (MANE Select); 15 bases into the intron before coding-DNA position 2168, one base duplicated (T; older notation c.2168-15dupT).
Molecular consequence: intron variant.
Genome position (GRCh38, 1-based): chr15:48,497,401, A duplicated on the plus strand (T on the coding strand, the reverse complement: FBN1 is on the minus strand); the first of 6 consecutive A bases (chr15:48,497,401-48,497,406); duplicating any one gives the same sequence. VCF-style (leftmost placement, unchanged base first): chr15-48497400-C-CA. GRCh37 (hg19) VCF-style: chr15-48789597-C-CA.
Identifiers: ClinVar variation 919186 (VCV000919186.8), dbSNP rs762586890, ClinGen allele CA7547934.

ClinVar aggregate classification (germline): Benign/Likely benign. Review status: criteria provided, multiple submitters, no conflicts (2 of 4 stars). 4 submissions from 4 submitters: Benign (1); Likely benign (3). Last evaluated 2025-12-16.

Conditions:
Familial thoracic aortic aneurysm and aortic dissection (TAAD). Also called: Thoracic aortic aneurysms and dissections. Identifiers: Orphanet 91387, MedGen C4707243, MONDO:0019625.
Marfan syndrome (MFS). Also called: Marfan syndrome, classic; Marfan syndrome type 1; Marfan's syndrome; FBN1-Related Marfan Syndrome; MARFAN SYNDROME, TYPE I. Identifiers: Orphanet 284963, Orphanet 558, MedGen C0024796, MONDO:0007947, OMIM 154700.

Submissions (4):

Labcorp Genetics (formerly Invitae), Labcorp
Classification: Benign for Marfan syndrome; Familial thoracic aortic aneurysm and aortic dissection. Last evaluated: 2025-12-16. Review status: criteria provided, single submitter. Criteria: Invitae Variant Classification Sherloc (09022015). Collection method: clinical testing. Allele origin: germline.

All of Us Research Program, National Institutes of Health
Classification: Likely benign for Marfan syndrome. Last evaluated: 2023-05-04. Review status: criteria provided, single submitter. Criteria: ACMG Guidelines, 2015. Collection method: clinical testing. Allele origin: germline. Inheritance: Autosomal dominant inheritance. Observed: 3 variant alleles, 3 heterozygotes.
Comment: This study involves interpretation of variants in research participants for the purpose of population health screening. Participant phenotype was not available at the time of variant classification. Additional details can be found in publication PMID: 35346344, PMCID: PMC8962531

GeneDx
Classification: Likely benign. Last evaluated: 2019-08-09. Review status: criteria provided, single submitter. Criteria: GeneDx Variant Classification Process June 2021. Collection method: clinical testing. Allele origin: germline. Affected: yes.
Comment: See Variant Classification Assertion Criteria.

Color Diagnostics, LLC DBA Color Health
Classification: Likely benign for Familial thoracic aortic aneurysm and aortic dissection. Last evaluated: 2019-03-30. Review status: criteria provided, single submitter. Criteria: ACMG Guidelines, 2015. Collection method: clinical testing. Allele origin: germline.